The following is an entry in ClinVar:

NM_133259.4(LRPPRC):c.4077C>A (p.Tyr1359Ter)

Gene: LRPPRC (leucine rich pentatricopeptide repeat containing; minus strand). Cytogenetic location: 2p21.
Variant type: single nucleotide variant.
Coding change: c.4077C>A on transcript NM_133259.4 (MANE Select); coding-DNA position 4077, C replaced by A.
Protein change: p.Tyr1359Ter; replaces tyrosine 1359 with a stop codon.
Molecular consequence: nonsense.
Genome position (GRCh38, 1-based): chr2:43,889,785, G>T on the plus strand (C>A on the coding strand, the complement: LRPPRC is on the minus strand). VCF-style: chr2-43889785-G-T. GRCh37 (hg19) VCF-style: chr2-44116924-G-T.
Other names: short protein forms Y1359*.
Identifiers: ClinVar variation 2771226 (VCV002771226.3), dbSNP rs148828179, ClinGen allele CA346672962.

ClinVar aggregate classification (germline): Pathogenic (1 of 4 stars; one submission).

Submission:

Labcorp Genetics (formerly Invitae), Labcorp
Classification: Pathogenic. Last evaluated: 2023-10-23. Review status: criteria provided, single submitter. Criteria: Invitae Variant Classification Sherloc (09022015). Collection method: clinical testing. Allele origin: germline.
Comment: This sequence change creates a premature translational stop signal (p.Tyr1359*) in the LRPPRC gene. It is expected to result in an absent or disrupted protein product. Loss-of-function variants in LRPPRC are known to be pathogenic (PMID: 26510951). This variant is not present in population databases (gnomAD no frequency). This variant has not been reported in the literature in individuals affected with LRPPRC-related conditions. For these reasons, this variant has been classified as Pathogenic.

Literature cited by the submitters: PubMed 26510951.